The following is an entry in ClinVar:

ClinVar aggregate classification (germline): Pathogenic. Review status: criteria provided, multiple submitters, no conflicts (2 of 4 stars). 7 submissions from 7 submitters: Pathogenic (6). 1 of the submissions does not count toward it. Last evaluated 2025-10-22.

Conditions:
SLC26A3-related disorder. Also called: SLC26A3-related condition.
Hydrops fetalis. Identifiers: Orphanet 1041, MedGen C0020305, MONDO:0015193, HP:0001789.
Polyhydramnios. Also called: Polyhydramnios (disease); Hydramnios. Identifiers: MedGen C0020224, MONDO:0004585, HP:0001561.
Intestinal obstruction. Identifiers: MedGen C0021843, MONDO:0004565, HP:0005214.
Congenital secretory diarrhea, chloride type (DIAR1). Also called: DIARRHEA 1, SECRETORY CHLORIDE, CONGENITAL; CHLORIDE DIARRHEA, CONGENITAL, FINNISH TYPE; CHLORIDORRHEA, CONGENITAL. Identifiers: Orphanet 53689, MedGen C0267662, MONDO:0008964, OMIM 214700.

Allele frequency attached by ClinVar (database versions not stated): gnomAD exomes below 0.00001 and 0.00001; gnomAD 0.00001; TOPMed 0.00001.

Submissions (7):

3billion
Classification: Pathogenic for Congenital secretory diarrhea, chloride type. Last evaluated: 2025-10-22. Review status: criteria provided, single submitter. Criteria: ACMG Guidelines, 2015. Collection method: clinical testing. Allele origin: germline. Affected: yes.
Comment: The variant is observed at an extremely low frequency in the gnomAD v4.1.0 dataset (total allele frequency: <0.001%). Predicted Consequence/Location: Frameshift: predicted to result in a loss or disruption of normal protein function through nonsense-mediated decay (NMD) or protein truncation. Multiple pathogenic variants are reported downstream of the variant. The variant has been reported at least twice as pathogenic with clinical assertions and evidence for the classification (ClinVar ID: VCV000055994 /PMID: 9718329 /3billion dataset). Therefore, this variant is classified as Pathogenic according to the recommendation of ACMG/AMP guideline.

Fulgent Genetics
Classification: Pathogenic for Congenital secretory diarrhea, chloride type. Last evaluated: 2024-03-08. Review status: criteria provided, single submitter. Criteria: ACMG Guidelines, 2015. Collection method: clinical testing. Allele origin: germline.

Labcorp Genetics (formerly Invitae), Labcorp
Classification: Pathogenic. Last evaluated: 2023-06-25. Review status: criteria provided, single submitter. Criteria: Invitae Variant Classification Sherloc (09022015). Collection method: clinical testing. Allele origin: germline.
Comment: This sequence change creates a premature translational stop signal (p.Gly91Lysfs*3) in the SLC26A3 gene. It is expected to result in an absent or disrupted protein product. Loss-of-function variants in SLC26A3 are known to be pathogenic (PMID: 9718329, 21394828). This variant is present in population databases (rs386833476, gnomAD 0.02%). This premature translational stop signal has been observed in individual(s) with clinical features of congenital chloride diarrhea (PMID: 9718329, 31680349, 33191723, 34503561). This variant is also known as c.268–269insAA. ClinVar contains an entry for this variant (Variation ID: 55994). For these reasons, this variant has been classified as Pathogenic.

Blueprint Genetics
Classification: Pathogenic for SLC26A3-related disorders. Last evaluated: 2020-02-10. Review status: criteria provided, single submitter. Criteria: ACMG Guidelines, 2015. Collection method: clinical testing. Allele origin: germline. Affected: yes. Observed: 1 variant allele.

Center for Reproductive Medicine, Peking University Third Hospital
Classification: Pathogenic for Intestinal obstruction; Polyhydramnios; Hydrops fetalis. Last evaluated: 2019-10-16. Review status: criteria provided, single submitter. Criteria: ACMG Guidelines, 2015. Collection method: clinical testing. Allele origin: germline. Affected: yes.

Juno Genomics, Hangzhou Juno Genomics, Inc
Classification: Pathogenic for Congenital secretory diarrhea, chloride type. Review status: criteria provided, single submitter. Criteria: ACMG Guidelines, 2015. Collection method: clinical testing. Allele origin: germline. Affected: yes.
Comment: Absent from controls (or at extremely low frequency if recessive) in Genome Aggregation Database, Exome Sequencing Project, 1000 Genomes Project, or Exome Aggregation Consortium.;Null variant in a gene where loss of function (LOF) is a known mechanism of disease.;For recessive disorders, detected in trans with a pathogenic variant.

Juha Muilu Group; Institute for Molecular Medicine Finland (FIMM)
Classification: Likely pathogenic for Congenital secretory diarrhea, chloride type. Review status: no assertion criteria provided. Collection method: not provided. Allele origin: unknown. Not counted in ClinVar's aggregate classification.
Comment: FinDis database variant: This variant was not found or characterized by our laboratory, data were collected from public sources: see reference
ClinVar note: Converted during submission from probable-pathogenic to Likely pathogenic.

Literature cited by the submitters: PubMed 9718329 (cited by 3billion and Labcorp Genetics (formerly Invitae), Labcorp); PubMed 21394828 (cited by Labcorp Genetics (formerly Invitae), Labcorp and Center for Reproductive Medicine, Peking University Third Hospital); PubMed 31680349 (cited by Labcorp Genetics (formerly Invitae), Labcorp and Center for Reproductive Medicine, Peking University Third Hospital); PubMed 33191723 (cited by Labcorp Genetics (formerly Invitae), Labcorp); PubMed 34503561 (cited by Labcorp Genetics (formerly Invitae), Labcorp).

NM_000111.3(SLC26A3):c.269_270dup (p.Gly91fs)

Gene: SLC26A3 (solute carrier family 26 member 3; minus strand). Cytogenetic location: 7q22.3.
Variant type: Duplication.
Coding change: c.269_270dup on transcript NM_000111.3 (MANE Select); coding-DNA positions 269 to 270, 2 bases duplicated (AA; older notation c.269_270dupAA).
Protein change: p.Gly91fs; shifts the reading frame from glycine 91.
Molecular consequence: frameshift variant.
Genome position (GRCh38, 1-based): chr7:107,793,743-107,793,744, TT duplicated on the plus strand (AA on the coding strand, the reverse complement: SLC26A3 is on the minus strand). VCF-style (leftmost placement, unchanged base first): chr7-107793742-C-CTT. GRCh37 (hg19) VCF-style: chr7-107434187-C-CTT.
Other names: c.269_270dupAA (NM_000111.2); short protein forms G91fs.
Identifiers: ClinVar variation 55994 (VCV000055994.11), dbSNP rs386833476, ClinGen allele CA144090.